The following is an entry in ClinVar:

NM_004304.5(ALK):c.1112C>G (p.Ala371Gly)

Gene: ALK (ALK receptor tyrosine kinase; minus strand). Cytogenetic location: 2p23.2.
Variant type: single nucleotide variant.
Coding change: c.1112C>G on transcript NM_004304.5 (MANE Select); coding-DNA position 1112, C replaced by G.
Protein change: p.Ala371Gly; replaces alanine 371 with glycine.
Molecular consequence: missense variant.
Genome position (GRCh38, 1-based): chr2:29,531,957, G>C on the plus strand (C>G on the coding strand, the complement: ALK is on the minus strand). VCF-style: chr2-29531957-G-C. GRCh37 (hg19) VCF-style: chr2-29754823-G-C.
Other names: short protein forms A371G.
Identifiers: ClinVar variation 841421 (VCV000841421.10), dbSNP rs1673130758, ClinGen allele CA346587248.

ClinVar aggregate classification (germline): Uncertain significance. Review status: criteria provided, multiple submitters, no conflicts (2 of 4 stars). 2 submissions from 2 submitters: Uncertain significance (2). Last evaluated 2025-04-22.

Conditions:
Hereditary cancer-predisposing syndrome. Also called: Neoplastic Syndromes, Hereditary; Hereditary neoplastic syndrome; Tumor predisposition; Hereditary Cancer Syndrome. Identifiers: Orphanet 140162, MedGen C0027672, MeSH D009386, MONDO:0015356.
Neuroblastoma, susceptibility to, 3. Also called: ALK-Related Neuroblastic Tumor Susceptibility. Identifiers: Orphanet 635, MedGen C2751681, MONDO:0013083, OMIM 613014.

Allele frequency attached by ClinVar (database versions not stated): gnomAD exomes below 0.00001.
gnomAD v4.1: 7 of 1,614,186 alleles (0.00043%); highest among the groups gnomAD compares: Non-Finnish European, 0.00059%; no homozygotes.

Submissions (2):

Labcorp Genetics (formerly Invitae), Labcorp
Classification: Uncertain significance for Neuroblastoma, susceptibility to, 3. Last evaluated: 2025-04-22. Review status: criteria provided, single submitter. Criteria: Invitae Variant Classification Sherloc (09022015). Collection method: clinical testing. Allele origin: germline.
Comment: This sequence change replaces alanine, which is neutral and non-polar, with glycine, which is neutral and non-polar, at codon 371 of the ALK protein (p.Ala371Gly). This variant is not present in population databases (gnomAD no frequency). This variant has not been reported in the literature in individuals affected with ALK-related conditions. ClinVar contains an entry for this variant (Variation ID: 841421). An algorithm developed to predict the effect of missense changes on protein structure and function (PolyPhen-2) suggests that this variant is likely to be tolerated. In summary, the available evidence is currently insufficient to determine the role of this variant in disease. Therefore, it has been classified as a Variant of Uncertain Significance.

Ambry Genetics
Classification: Uncertain significance for Hereditary cancer-predisposing syndrome. Last evaluated: 2025-03-31. Review status: criteria provided, single submitter. Criteria: Ambry Variant Classification Scheme 2023. Collection method: clinical testing. Allele origin: germline.
Comment: The p.A371G variant (also known as c.1112C>G), located in coding exon 4 of the ALK gene, results from a C to G substitution at nucleotide position 1112. The alanine at codon 371 is replaced by glycine, an amino acid with similar properties. This amino acid position is conserved. In addition, this alteration is predicted to be tolerated by in silico analysis. Since supporting evidence is limited at this time, the clinical significance of this alteration remains unclear.